The following is an entry in ClinVar:

NM_016507.4(CDK12):c.1291G>C (p.Glu431Gln)

Gene: CDK12 (cyclin dependent kinase 12; plus strand). Cytogenetic location: 17q12.
Variant type: single nucleotide variant.
Coding change: c.1291G>C on transcript NM_016507.4 (MANE Select); coding-DNA position 1291, G replaced by C.
Protein change: p.Glu431Gln; replaces glutamic acid 431 with glutamine.
Molecular consequence: missense variant.
Genome position (GRCh38, 1-based): chr17:39,471,123, G>C. VCF-style: chr17-39471123-G-C. GRCh37 (hg19) VCF-style: chr17-37627376-G-C.
Other names: c.1291G>C, p.Glu431Gln (NM_015083.4); short protein forms E431Q.
Identifiers: ClinVar variation 3999308 (VCV003999308.1).
Genomic context (GRCh38, chr17:39,471,123, plus strand): 5'-GCTGCAGCAAAGATGGATGGAAAGGAGTCCAAGGGTTCACCTGTATTTTTGCCTAGAAAA[G>C]AGAACAGTTCAGTAGAGGCTAAGGATTCAGGTTTGGAGTCTAAAAAGTTACCCAGAAGTG-3'
Protein context (NP_057591.2, residues 421-441): KGSPVFLPRK[Glu431Gln]NSSVEAKDSG

ClinVar aggregate classification (germline): Uncertain significance (1 of 4 stars; one submission).

Submission:

Ambry Genetics
Classification: Uncertain significance. Last evaluated: 2025-04-03. Review status: criteria provided, single submitter. Criteria: Ambry Variant Classification Scheme 2023. Collection method: clinical testing. Allele origin: germline.
Comment: The p.E431Q variant (also known as c.1291G>C), located in coding exon 2 of the CDK12 gene, results from a G to C substitution at nucleotide position 1291. The glutamic acid at codon 431 is replaced by glutamine, an amino acid with highly similar properties. This amino acid position is conserved. In addition, this alteration is predicted to be tolerated by in silico analysis. Based on the available evidence, the clinical significance of this variant remains unclear.